The following is an entry in ClinVar:

NM_000051.4(ATM):c.2515G>A (p.Glu839Lys)

Gene: ATM (ATM serine/threonine kinase; plus strand). Cytogenetic location: 11q22.3.
Variant type: single nucleotide variant.
Coding change: c.2515G>A on transcript NM_000051.4 (MANE Select); coding-DNA position 2515, G replaced by A.
Protein change: p.Glu839Lys; replaces glutamic acid 839 with lysine.
Molecular consequence: missense variant.
Genome position (GRCh38, 1-based): chr11:108,267,219, G>A. VCF-style: chr11-108267219-G-A. GRCh37 (hg19) VCF-style: chr11-108137946-G-A.
Other names: c.2515G>A, p.Glu839Lys (NM_001351834.2); short protein forms E839K.
Identifiers: ClinVar variation 1792462 (VCV001792462.2), dbSNP rs1246807453, ClinGen allele CA382543432.

ClinVar aggregate classification (germline): Uncertain significance (1 of 4 stars; one submission).

Conditions:
Hereditary cancer-predisposing syndrome. Also called: Hereditary Cancer Syndrome; Hereditary neoplastic syndrome; Tumor predisposition; Neoplastic Syndromes, Hereditary. Identifiers: Orphanet 140162, MedGen C0027672, MeSH D009386, MONDO:0015356.

Submission:

Ambry Genetics
Classification: Uncertain significance for Hereditary cancer-predisposing syndrome. Last evaluated: 2022-07-01. Review status: criteria provided, single submitter. Criteria: Ambry Variant Classification Scheme 2023. Collection method: clinical testing. Allele origin: germline.
Comment: The p.E839K variant (also known as c.2515G>A), located in coding exon 16 of the ATM gene, results from a G to A substitution at nucleotide position 2515. The glutamic acid at codon 839 is replaced by lysine, an amino acid with similar properties. This amino acid position is conserved. In addition, this alteration is predicted to be tolerated by in silico analysis. Since supporting evidence is limited at this time, the clinical significance of this alteration remains unclear.